The following is an entry in ClinVar:

NM_032496.4(ARHGAP9):c.409C>T (p.Arg137Cys)

Gene: ARHGAP9 (Rho GTPase activating protein 9; minus strand). Cytogenetic location: 12q13.3.
Variant type: single nucleotide variant.
Coding change: c.409C>T on transcript NM_032496.4 (MANE Select); coding-DNA position 409, C replaced by T.
Protein change: p.Arg137Cys; replaces arginine 137 with cysteine.
Molecular consequence: missense variant.
Genome position (GRCh38, 1-based): chr12:57,478,665, G>A on the plus strand (C>T on the coding strand, the complement: ARHGAP9 is on the minus strand). VCF-style: chr12-57478665-G-A. GRCh37 (hg19) VCF-style: chr12-57872448-G-A.
Other names: c.409C>T, p.Arg137Cys (NM_001080157.2, NM_001319850.2); short protein forms R137C.
Identifiers: ClinVar variation 92019 (VCV000092019.2), dbSNP rs3802989, ClinGen allele CA232362.

ClinVar aggregate classification (germline): Uncertain significance (0 of 4 stars; one submission).

Allele frequency attached by ClinVar (database versions not stated): TOPMed 0.00027; gnomAD 0.00031 and 0.00020; 1000 Genomes Project 0.00240; 1000 Genomes Project 30x 0.00203; ESP Exome Variant Server 0.00015; gnomAD exomes 0.00051; ExAC 0.00061.
gnomAD v4.1: 851 of 1,614,144 alleles (0.053%); highest among the groups gnomAD compares: East Asian, 1.6%; 8 homozygotes.

Submission:

Richard Lifton Laboratory, Yale University School of Medicine
Classification: Uncertain significance. Review status: no assertion criteria provided. Collection method: not provided. Allele origin: somatic.
Comment: ARHGAP9
ClinVar note: Converted during submission from unknown to Uncertain significance.